The following is an entry in ClinVar:

NM_014423.4(AFF4):c.1732C>G (p.Pro578Ala)

Gene: AFF4 (ALF transcription elongation factor 4; minus strand). Cytogenetic location: 5q31.1.
Variant type: single nucleotide variant.
Coding change: c.1732C>G on transcript NM_014423.4 (MANE Select); coding-DNA position 1732, C replaced by G.
Protein change: p.Pro578Ala; replaces proline 578 with alanine.
Molecular consequence: missense variant.
Genome position (GRCh38, 1-based): chr5:132,896,898, G>C on the plus strand (C>G on the coding strand, the complement: AFF4 is on the minus strand). VCF-style: chr5-132896898-G-C. GRCh37 (hg19) VCF-style: chr5-132232590-G-C.
Other names: short protein forms P578A.
Identifiers: ClinVar variation 2723726 (VCV002723726.3), dbSNP rs1408248889, ClinGen allele CA360937977.

ClinVar aggregate classification (germline): Uncertain significance (1 of 4 stars; one submission).

Conditions:
Cognitive impairment - coarse facies - heart defects - obesity - pulmonary involvement - short stature - skeletal dysplasia syndrome. Also called: AFF4-Related CHOPS Syndrome; COGNITIVE IMPAIRMENT, COARSE FACIES, HEART DEFECTS, OBESITY, PULMONARY INVOLVEMENT, SHORT STATURE, AND SKELETAL DYSPLASIA; Chops syndrome. Identifiers: Orphanet 444077, MedGen C4085597, MONDO:0014609, OMIM 616368.

Allele frequency attached by ClinVar (database versions not stated): gnomAD exomes below 0.00001; TOPMed below 0.00001.
gnomAD v4.1: 2 of 1,614,164 alleles (0.00012%); highest among the groups gnomAD compares: Non-Finnish European, 0.00017%; no homozygotes.

Submission:

Labcorp Genetics (formerly Invitae), Labcorp
Classification: Uncertain significance for Cognitive impairment - coarse facies - heart defects - obesity - pulmonary involvement - short stature - skeletal dysplasia syndrome. Last evaluated: 2023-09-30. Review status: criteria provided, single submitter. Criteria: Invitae Variant Classification Sherloc (09022015). Collection method: clinical testing. Allele origin: germline.
Comment: This variant is present in population databases (no rsID available, gnomAD 0.0009%). In summary, the available evidence is currently insufficient to determine the role of this variant in disease. Therefore, it has been classified as a Variant of Uncertain Significance. Advanced modeling of protein sequence and biophysical properties (such as structural, functional, and spatial information, amino acid conservation, physicochemical variation, residue mobility, and thermodynamic stability) performed at Invitae indicates that this missense variant is not expected to disrupt AFF4 protein function. This variant has not been reported in the literature in individuals affected with AFF4-related conditions. This sequence change replaces proline, which is neutral and non-polar, with alanine, which is neutral and non-polar, at codon 578 of the AFF4 protein (p.Pro578Ala).